The following is an entry in ClinVar:

ClinVar aggregate classification (germline): Uncertain significance (1 of 4 stars; one submission).

Conditions:
Gastrointestinal stromal tumor. Also called: Gastrointestinal stromal tumor, somatic; Gastrointestinal stroma tumor. Identifiers: Orphanet 44890, MedGen C0238198, MeSH D046152, MONDO:0011719, OMIM 606764, HP:0100723.

Submission:

Labcorp Genetics (formerly Invitae), Labcorp
Classification: Uncertain significance for Gastrointestinal stromal tumor. Last evaluated: 2023-12-06. Review status: criteria provided, single submitter. Criteria: Invitae Variant Classification Sherloc (09022015). Collection method: clinical testing. Allele origin: germline.
Comment: This sequence change replaces serine, which is neutral and polar, with alanine, which is neutral and non-polar, at codon 966 of the KIT protein (p.Ser966Ala). This variant is not present in population databases (gnomAD no frequency). This variant has not been reported in the literature in individuals affected with KIT-related conditions. An algorithm developed to predict the effect of missense changes on protein structure and function (PolyPhen-2) suggests that this variant is likely to be tolerated. In summary, the available evidence is currently insufficient to determine the role of this variant in disease. Therefore, it has been classified as a Variant of Uncertain Significance.

NM_000222.3(KIT):c.2896T>G (p.Ser966Ala)

Gene: KIT (KIT proto-oncogene, receptor tyrosine kinase; plus strand). Cytogenetic location: 4q12.
Variant type: single nucleotide variant.
Coding change: c.2896T>G on transcript NM_000222.3 (MANE Select); coding-DNA position 2896, T replaced by G.
Protein change: p.Ser966Ala; replaces serine 966 with alanine.
Molecular consequence: missense variant.
Genome position (GRCh38, 1-based): chr4:54,738,522, T>G. VCF-style: chr4-54738522-T-G. GRCh37 (hg19) VCF-style: chr4-55604688-T-G.
Other names: c.2884T>G, p.Ser962Ala (NM_001093772.2, NM_001385292.1); c.2899T>G, p.Ser967Ala (NM_001385284.1); c.2893T>G, p.Ser965Ala (NM_001385285.1); c.2881T>G, p.Ser961Ala (NM_001385286.1); c.2887T>G, p.Ser963Ala (NM_001385288.1); c.2896T>G, p.Ser966Ala (NM_001385290.1); short protein forms S963A, S967A, S962A, S966A, S961A, S965A.
Identifiers: ClinVar variation 2700984 (VCV002700984.3), dbSNP rs2475590132, ClinGen allele CA356916481.
Genomic context (GRCh38, chr4:54,738,522, plus strand): 5'-CGACAGAAGCCCGTGGTAGACCATTCTGTGCGGATCAATTCTGTCGGCAGCACCGCTTCC[T>G]CCTCCCAGCCTCTGCTTGTGCACGACGATGTCTGAGCAGAATCAGTGTTTGGGTCACCCC-3'
Protein context (NP_000213.1, residues 956-976): RINSVGSTAS[Ser966Ala]SQPLLVHDDV